The following is an entry in ClinVar:

ClinVar aggregate classification (germline): Conflicting classifications of pathogenicity. Review status: criteria provided, conflicting classifications (1 of 4 stars). 3 submissions from 3 submitters: Uncertain significance (1); Likely benign (2). Last evaluated 2025-12-03.

Conditions:
Neurofibromatosis, type 1 (NF1). Also called: NEUROFIBROMATOSIS, TYPE I, SOMATIC; Neurofibromatosis, type I; Peripheral type neurofibromatosis; VON RECKLINGHAUSEN DISEASE. Identifiers: Orphanet 636, MedGen C0027831, MONDO:0018975, OMIM 162200. Disease mechanism: loss of function.

Submissions (3):

Labcorp Genetics (formerly Invitae), Labcorp
Classification: Likely benign for Neurofibromatosis, type 1. Last evaluated: 2025-12-03. Review status: criteria provided, single submitter. Criteria: Invitae Variant Classification Sherloc (09022015). Collection method: clinical testing. Allele origin: germline.

Women's Health and Genetics/Laboratory Corporation of America, LabCorp
Classification: Likely benign. Last evaluated: 2025-04-28. Review status: criteria provided, single submitter. Criteria: LabCorp Variant Classification Summary - May 2015. Collection method: clinical testing. Allele origin: germline.
Comment: Variant summary: NF1 c.6579+7A>G alters a nucleotide located at a position not widely known to affect splicing. Consensus agreement among computation tools predict no significant impact on normal splicing. However, these predictions have yet to be confirmed by functional studies. The variant was absent in 1611348 control chromosomes. The available data on variant occurrences in the general population are insufficient to allow any conclusion about variant significance. To our knowledge, no occurrence of c.6579+7A>G in individuals affected with Neurofibromatosis Type 1 and no experimental evidence demonstrating its impact on protein function have been reported. ClinVar contains an entry for this variant (Variation ID: 743774). Based on the evidence outlined above, the variant was classified as likely benign.

Quest Diagnostics Nichols Institute San Juan Capistrano
Classification: Uncertain significance. Last evaluated: 2023-11-06. Review status: criteria provided, single submitter. Criteria: Quest Diagnostics criteria. Collection method: clinical testing. Allele origin: unknown.

Literature cited by the submitters: PubMed 10678181 (cited by Women's Health and Genetics/Laboratory Corporation of America, LabCorp); PubMed 23460398 (cited by Women's Health and Genetics/Laboratory Corporation of America, LabCorp); PubMed 29872168 (cited by Women's Health and Genetics/Laboratory Corporation of America, LabCorp); PubMed 27069254 (cited by Women's Health and Genetics/Laboratory Corporation of America, LabCorp).

NM_001042492.3(NF1):c.6642+7A>G

Gene: NF1 (neurofibromin 1; plus strand). Cytogenetic location: 17q11.2.
Variant type: single nucleotide variant.
Coding change: c.6642+7A>G on transcript NM_001042492.3 (MANE Select); 7 bases into the intron after coding-DNA position 6642, A replaced by G.
Molecular consequence: intron variant.
Genome position (GRCh38, 1-based): chr17:31,337,589, A>G. VCF-style: chr17-31337589-A-G. GRCh37 (hg19) VCF-style: chr17-29664607-A-G.
Other names: c.6579+7A>G (NM_000267.4).
Identifiers: ClinVar variation 743774 (VCV000743774.12), dbSNP rs1597844162, ClinGen allele CA915949950.